The following is an entry in ClinVar:

ClinVar aggregate classification (germline): Benign. Review status: criteria provided, multiple submitters, no conflicts (2 of 4 stars). 3 submissions from 3 submitters: Benign (3). Last evaluated 2018-01-12.

Conditions:
Hemochromatosis type 4 (HFE4). Also called: HEMOCHROMATOSIS DUE TO DEFECT IN FERROPORTIN; HEMOCHROMATOSIS, AUTOSOMAL DOMINANT; Ferroportin disease. Identifiers: Orphanet 139491, Orphanet 647834, Orphanet 648562, MedGen C1853733, MONDO:0011631, OMIM 606069.

Allele frequency attached by ClinVar (database versions not stated): 1000 Genomes Project 30x 0.09354; gnomAD exomes 0.16552 and 0.20726; 1000 Genomes Project 0.09685; TOPMed 0.13996; gnomAD 0.15732 and 0.15689; ExAC 0.20481.
gnomAD v4.1: 322,699 of 1,601,060 alleles (20%); highest among the groups gnomAD compares: Non-Finnish European, 23%; 35,289 homozygotes.

Submissions (3):

Illumina Laboratory Services, Illumina
Classification: Benign for Hemochromatosis type 4. Last evaluated: 2018-01-12. Review status: criteria provided, single submitter. Criteria: ICSL Variant Classification Criteria 13 December 2019. Collection method: clinical testing. Allele origin: germline.
Comment: This variant was observed in the ICSL laboratory as part of a predisposition screen in an ostensibly healthy population. It had not been previously curated by ICSL or reported in the Human Gene Mutation Database (HGMD: prior to June 1st, 2018), and was therefore a candidate for classification through an automated scoring system. Utilizing variant allele frequency, disease prevalence and penetrance estimates, and inheritance mode, an automated score was calculated to assess if this variant is too frequent to cause the disease. Based on the score and internal cut-off values, a variant classified as benign is not then subjected to further curation. The score for this variant resulted in a classification of benign for this disease.

Breakthrough Genomics
Classification: Benign. Review status: criteria provided, single submitter. Criteria: ACMG Guidelines, 2015. Collection method: not provided. Allele origin: germline. Inheritance: Autosomal dominant inheritance. Affected: yes.

PreventionGenetics, part of Exact Sciences
Classification: Benign. Review status: criteria provided, single submitter. Criteria: ACMG Guidelines, 2015. Collection method: clinical testing. Allele origin: germline.

NM_014585.6(SLC40A1):c.-98G>C

Gene: SLC40A1 (solute carrier family 40 member 1; minus strand). Cytogenetic location: 2q32.2.
Variant type: single nucleotide variant.
Coding change: c.-98G>C on transcript NM_014585.6 (MANE Select); 98 bases upstream of the start codon, G replaced by C.
Molecular consequence: 5 prime UTR variant.
Genome position (GRCh38, 1-based): chr2:189,580,558, C>G on the plus strand (G>C on the coding strand, the complement: SLC40A1 is on the minus strand). VCF-style: chr2-189580558-C-G. GRCh37 (hg19) VCF-style: chr2-190445284-C-G.
Identifiers: ClinVar variation 260421 (VCV000260421.7), dbSNP rs13008848, ClinGen allele CA2024368.